The following continues an entry in ClinVar:

NM_007294.4(BRCA1):c.557C>A (p.Ser186Tyr)

Gene: BRCA1. ClinVar aggregate classification (germline): Benign. Benign (1).

Submissions 21 to 37 of 37:

Color Diagnostics, LLC DBA Color Health
Classification: Benign for Hereditary cancer-predisposing syndrome. Last evaluated: 2014-11-24. Review status: criteria provided, single submitter. Criteria: ACMG Guidelines, 2015. Collection method: clinical testing. Allele origin: germline. Not counted in ClinVar's aggregate classification.

Ambry Genetics
Classification: Benign for Hereditary cancer-predisposing syndrome. Last evaluated: 2014-11-18. Review status: criteria provided, single submitter. Criteria: Ambry Variant Classification Scheme 2023. Collection method: clinical testing. Allele origin: germline. Not counted in ClinVar's aggregate classification.

Eurofins Ntd Llc (ga)
Classification: Benign. Last evaluated: 2014-07-02. Review status: criteria provided, single submitter. Criteria: EGL Classification Definitions 2015. Collection method: clinical testing. Allele origin: germline. Observed: 2 variant alleles, 2 heterozygotes. Not counted in ClinVar's aggregate classification.

CSER _CC_NCGL, University of Washington
Classification: Likely benign for Hereditary breast and ovarian cancer. Last evaluated: 2014-06-01. Review status: criteria provided, single submitter. Criteria: Amendola et al. (Genome Res. 2015). Collection method: research. Allele origin: germline. Inheritance: Autosomal dominant inheritance. Study: ESP 6500 variant annotation. Not counted in ClinVar's aggregate classification.
Comment: Variants classified for the Actionable exomic incidental findings in 6503 participants: challenges of variant classification manuscript

BRCAlab, Lund University
Classification: Benign for Breast-ovarian cancer, familial, susceptibility to, 1. Last evaluated: 2020-03-02. Review status: no assertion criteria provided. Collection method: clinical testing. Allele origin: germline. Affected: yes. Not counted in ClinVar's aggregate classification.

Mayo Clinic Laboratories, Mayo Clinic
Classification: Likely benign. Last evaluated: 2015-10-07. Review status: no assertion criteria provided. Collection method: clinical testing. Allele origin: unknown. Not counted in ClinVar's aggregate classification.

Counsyl
Classification: Benign for Breast-ovarian cancer, familial 1. Last evaluated: 2015-02-13. Review status: no assertion criteria provided. Collection method: literature only. Allele origin: unknown. Inheritance: Autosomal dominant inheritance. Not counted in ClinVar's aggregate classification.

Pathway Genomics
Classification: Likely benign for Breast-ovarian cancer, familial 1. Last evaluated: 2014-07-24. Review status: no assertion criteria provided. Collection method: clinical testing. Allele origin: germline. Not counted in ClinVar's aggregate classification.

ITMI
No classification provided. Condition: AllHighlyPenetrant. Last evaluated: 2013-09-19. Review status: no classification provided. Collection method: reference population. Allele origin: germline. Not counted in ClinVar's aggregate classification.
Comment: Please see associated publication for description of ethnicities

Sharing Clinical Reports Project (SCRP)
Classification: Benign for Breast-ovarian cancer, familial 1. Last evaluated: 2006-07-03. Review status: no assertion criteria provided. Collection method: clinical testing. Allele origin: germline. Not counted in ClinVar's aggregate classification.

Breast Cancer Information Core (BIC) (BRCA1)
Classification: Uncertain significance for Breast-ovarian cancer, familial 1. Last evaluated: 2002-05-29. Review status: no assertion criteria provided. Collection method: clinical testing. Allele origin: germline. Affected: yes. Observed: 35 variant alleles. Not counted in ClinVar's aggregate classification.

Clinical Genetics DNA and cytogenetics Diagnostics Lab, Erasmus MC, Erasmus Medical Center
Classification: Benign. Review status: no assertion criteria provided. Collection method: clinical testing. Allele origin: germline. Affected: yes. Study: VKGL Data-share Consensus. Not counted in ClinVar's aggregate classification.

Clinical Genetics Laboratory, Department of Pathology, Netherlands Cancer Institute
Classification: Benign. Review status: no assertion criteria provided. Collection method: clinical testing. Allele origin: germline. Affected: yes. Study: VKGL Data-share Consensus. Not counted in ClinVar's aggregate classification.

Department of Pathology and Laboratory Medicine, Sinai Health System
Classification: Benign for Malignant tumor of breast. Review status: no assertion criteria provided. Collection method: clinical testing. Allele origin: unknown. Affected: yes. Study: The Canadian Open Genetics Repository (COGR). Not counted in ClinVar's aggregate classification.

Diagnostic Laboratory, Department of Genetics, University Medical Center Groningen
Classification: Benign for Breast-ovarian cancer, familial, susceptibility to, 1. Review status: no assertion criteria provided. Collection method: clinical testing. Allele origin: germline. Affected: yes. Study: VKGL Data-share Consensus. Not counted in ClinVar's aggregate classification.

Joint Genome Diagnostic Labs from Nijmegen and Maastricht, Radboudumc and MUMC+
Classification: Benign. Review status: no assertion criteria provided. Collection method: clinical testing. Allele origin: germline. Affected: yes. Study: VKGL Data-share Consensus. Not counted in ClinVar's aggregate classification.

Laboratory of Diagnostic Genome Analysis, Leiden University Medical Center (LUMC)
Classification: Benign. Review status: no assertion criteria provided. Collection method: clinical testing. Allele origin: germline. Affected: yes. Study: VKGL Data-share Consensus. Not counted in ClinVar's aggregate classification.

Literature cited by the submitters: PubMed 21990134 (cited by Evidence-based Network for the Interpretation of Germline Mutant Alleles (ENIGMA) and Counsyl); DOI 10.3389/fgene.2022.834265 (cited by National Health Laboratory Service, Universitas Academic Hospital and University of the Free State); PubMed 36329109 (cited by Genetics Program, Instituto Nacional de Cancer); PubMed 11030417 (cited by Counsyl); PubMed 15726418 (cited by Counsyl); PubMed 17924331 (cited by Counsyl and Pathway Genomics); PubMed 24728327 (cited by 3 submitters); PubMed 16014699 (cited by Counsyl); PubMed 24055113 (cited by Counsyl); PubMed 22505045 (cited by Counsyl); PubMed 23867111 (cited by Counsyl); PubMed 21673748 (cited by Counsyl); PubMed 17333343 (cited by Pathway Genomics).